The following is an entry in ClinVar:

ClinVar aggregate classification (germline): Uncertain significance (1 of 4 stars; one submission).

Submission:

GeneDx
Classification: Uncertain significance. Last evaluated: 2022-07-05. Review status: criteria provided, single submitter. Criteria: GeneDx Variant Classification Process June 2021. Collection method: clinical testing. Allele origin: germline. Affected: yes.
Comment: Not observed at significant frequency in large population cohorts (gnomAD); In silico analysis supports a deleterious effect on splicing; Has not been previously published as pathogenic or benign to our knowledge

NM_001308120.2(TOGARAM1):c.3238+3A>G

Gene: TOGARAM1 (TOG array regulator of axonemal microtubules 1; plus strand). Cytogenetic location: 14q21.2.
Variant type: single nucleotide variant.
Coding change: c.3238+3A>G on transcript NM_001308120.2 (MANE Select); 3 bases into the intron after coding-DNA position 3238, A replaced by G.
Molecular consequence: intron variant.
Genome position (GRCh38, 1-based): chr14:45,012,078, A>G. VCF-style: chr14-45012078-A-G. GRCh37 (hg19) VCF-style: chr14-45481281-A-G.
Other names: c.3238+3A>G (NM_015091.4).
Identifiers: ClinVar variation 1810434 (VCV001810434.1), dbSNP rs2502768269, ClinGen allele CA2580088105.